The following is an entry in ClinVar:

NM_021020.5(LZTS1):c.187G>A (p.Glu63Lys)

Gene: LZTS1 (leucine zipper tumor suppressor 1; minus strand). Cytogenetic location: 8p21.3.
Variant type: single nucleotide variant.
Coding change: c.187G>A on transcript NM_021020.5 (MANE Select); coding-DNA position 187, G replaced by A.
Protein change: p.Glu63Lys; replaces glutamic acid 63 with lysine.
Molecular consequence: missense variant.
Genome position (GRCh38, 1-based): chr8:20,254,995, C>T on the plus strand (G>A on the coding strand, the complement: LZTS1 is on the minus strand). VCF-style: chr8-20254995-C-T. GRCh37 (hg19) VCF-style: chr8-20112506-C-T.
Other names: c.187G>A, p.Glu63Lys (NM_001362884.2); short protein forms E63K.
Identifiers: ClinVar variation 1917082 (VCV001917082.5), dbSNP rs1800058422, ClinGen allele CA370478813.

ClinVar aggregate classification (germline): Uncertain significance (1 of 4 stars; one submission).

Allele frequency attached by ClinVar (database versions not stated): gnomAD exomes below 0.00001; TOPMed 0.00002.
gnomAD v4.1: 3 of 1,614,066 alleles (0.00019%); highest among the groups gnomAD compares: Non-Finnish European, 0.000085%; no homozygotes.

Submission:

Labcorp Genetics (formerly Invitae), Labcorp
Classification: Uncertain significance. Last evaluated: 2025-12-10. Review status: criteria provided, single submitter. Criteria: Invitae Variant Classification Sherloc (09022015). Collection method: clinical testing. Allele origin: germline.
Comment: This sequence change replaces glutamic acid, which is acidic and polar, with lysine, which is basic and polar, at codon 63 of the LZTS1 protein (p.Glu63Lys). This variant is not present in population databases (gnomAD no frequency). This variant has not been reported in the literature in individuals affected with LZTS1-related conditions. ClinVar contains an entry for this variant (Variation ID: 1917082). Invitae Evidence Modeling of protein sequence and biophysical properties (such as structural, functional, and spatial information, amino acid conservation, physicochemical variation, residue mobility, and thermodynamic stability) indicates that this missense variant is not expected to disrupt LZTS1 protein function with a negative predictive value of 80%. In summary, the available evidence is currently insufficient to determine the role of this variant in disease. Therefore, it has been classified as a Variant of Uncertain Significance.